The following is an entry in ClinVar:

ClinVar aggregate classification (germline): Uncertain significance (1 of 4 stars; one submission).

Submission:

GeneDx
Classification: Uncertain significance. Last evaluated: 2025-04-20. Review status: criteria provided, single submitter. Criteria: GeneDx Variant Classification Process June 2021. Collection method: clinical testing. Allele origin: germline. Affected: yes.
Comment: Not observed at significant frequency in large population cohorts (gnomAD); In silico analysis indicates that this missense variant does not alter protein structure/function; Has not been previously published as pathogenic or benign to our knowledge

NM_006265.3(RAD21):c.625T>G (p.Leu209Val)

Gene: RAD21 (RAD21 cohesin complex component; minus strand). Cytogenetic location: 8q24.11.
Variant type: single nucleotide variant.
Coding change: c.625T>G on transcript NM_006265.3 (MANE Select); coding-DNA position 625, T replaced by G.
Protein change: p.Leu209Val; replaces leucine 209 with valine.
Molecular consequence: missense variant.
Genome position (GRCh38, 1-based): chr8:116,857,330, A>C on the plus strand (T>G on the coding strand, the complement: RAD21 is on the minus strand). VCF-style: chr8-116857330-A-C. GRCh37 (hg19) VCF-style: chr8-117869569-A-C.
Other names: short protein forms L209V.
Identifiers: ClinVar variation 4282338 (VCV004282338.1).